The following is an entry in ClinVar:

NM_004104.5(FASN):c.5702C>T (p.Ala1901Val)

Gene: FASN (fatty acid synthase; minus strand). Cytogenetic location: 17q25.3.
Variant type: single nucleotide variant.
Coding change: c.5702C>T on transcript NM_004104.5 (MANE Select); coding-DNA position 5702, C replaced by T.
Protein change: p.Ala1901Val; replaces alanine 1901 with valine.
Molecular consequence: missense variant.
Genome position (GRCh38, 1-based): chr17:82,082,979, G>A on the plus strand (C>T on the coding strand, the complement: FASN is on the minus strand). VCF-style: chr17-82082979-G-A. GRCh37 (hg19) VCF-style: chr17-80040855-G-A.
Other names: short protein forms A1901V.
Identifiers: ClinVar variation 1450522 (VCV001450522.8), dbSNP rs759583791, ClinGen allele CA8851592.

ClinVar aggregate classification (germline): Uncertain significance (1 of 4 stars; one submission).

Conditions:
Epileptic encephalopathy. Identifiers: MedGen C0543888, HP:0200134.

Allele frequency attached by ClinVar (database versions not stated): gnomAD exomes 0.00004 and 0.00003; TOPMed 0.00006; ExAC 0.00003; gnomAD 0.00004.

Submission:

Labcorp Genetics (formerly Invitae), Labcorp
Classification: Uncertain significance for Epileptic encephalopathy. Last evaluated: 2025-11-06. Review status: criteria provided, single submitter. Criteria: Invitae Variant Classification Sherloc (09022015). Collection method: clinical testing. Allele origin: germline.
Comment: This sequence change replaces alanine, which is neutral and non-polar, with valine, which is neutral and non-polar, at codon 1901 of the FASN protein (p.Ala1901Val). This variant is present in population databases (rs759583791, gnomAD 0.009%). This variant has not been reported in the literature in individuals affected with FASN-related conditions. ClinVar contains an entry for this variant (Variation ID: 1450522). An algorithm developed to predict the effect of missense changes on protein structure and function (PolyPhen-2) suggests that this variant is likely to be disruptive. In summary, the available evidence is currently insufficient to determine the role of this variant in disease. Therefore, it has been classified as a Variant of Uncertain Significance.